The following is an entry in ClinVar:

ClinVar aggregate classification (germline): Uncertain significance (1 of 4 stars; one submission).

Conditions:
RAB23-related disorder. Also called: RAB23-related condition.

Submission:

PreventionGenetics, part of Exact Sciences
Classification: Uncertain significance for RAB23-related condition. Last evaluated: 2026-03-03. Review status: criteria provided, single submitter. Criteria: ACMG Guidelines, 2015. Collection method: clinical testing. Allele origin: germline.
Comment: The RAB23 c.464A>T variant is predicted to result in the amino acid substitution p.Asp155Val. To our knowledge, this variant has not been reported in the literature or in a large population database (gnomAD), indicating this variant is rare. At this time, the clinical significance of this variant is uncertain due to the absence of conclusive functional and genetic evidence.

NM_016277.5(RAB23):c.464A>T (p.Asp155Val)

Gene: RAB23 (RAB23, member RAS oncogene family; minus strand). Cytogenetic location: 6p12.1.
Variant type: single nucleotide variant.
Coding change: c.464A>T on transcript NM_016277.5 (MANE Select); coding-DNA position 464, A replaced by T.
Protein change: p.Asp155Val; replaces aspartic acid 155 with valine.
Molecular consequence: missense variant.
Genome position (GRCh38, 1-based): chr6:57,194,787, T>A on the plus strand (A>T on the coding strand, the complement: RAB23 is on the minus strand). VCF-style: chr6-57194787-T-A. GRCh37 (hg19) VCF-style: chr6-57059585-T-A.
Other names: c.464A>T, p.Asp155Val (NM_001278666.2, NM_001278667.2, NM_001278668.2 and 1 more transcripts); short protein forms D155V.
Identifiers: ClinVar variation 4996416 (VCV004996416.1).